The following is an entry in ClinVar:

NC_000009.11:g.(?_6533017)_(6645499_?)dup

Gene: GLDC (glycine decarboxylase; minus strand). Cytogenetic location: 9p24.1.
Variant type: Duplication.
Identifiers: ClinVar variation 2422519 (VCV002422519.6).

ClinVar aggregate classification (germline): Uncertain significance (1 of 4 stars; one submission).

Conditions:
Glycine encephalopathy. Also called: Nonketotic hyperglycinemia; Non-ketotic hyperglycinemia. Identifiers: Orphanet 407, MedGen C0751748, MONDO:0011612, HP:0008288.

Submission:

Labcorp Genetics (formerly Invitae), Labcorp
Classification: Uncertain significance for Glycine encephalopathy. Last evaluated: 2022-08-03. Review status: criteria provided, single submitter. Criteria: Invitae Variant Classification Sherloc (09022015). Collection method: clinical testing. Allele origin: germline.
Comment: A copy number gain of the genomic region encompassing the full coding sequence of the GLDC gene has been identified. The boundaries of this event are unknown as they extend beyond the assayed region for this gene and therefore may encompass additional genes. As the precise location of this event is unknown, it may be in tandem or it may be located elsewhere in the genome. This variant has not been reported in the literature in individuals affected with GLDC-related conditions. In summary, the available evidence is currently insufficient to determine the role of this variant in disease. Therefore, it has been classified as a Variant of Uncertain Significance.